The following is an entry in ClinVar:

NM_006766.5(KAT6A):c.5776C>G (p.Arg1926Gly)

Gene: KAT6A (lysine acetyltransferase 6A; minus strand). Cytogenetic location: 8p11.21.
Variant type: single nucleotide variant.
Coding change: c.5776C>G on transcript NM_006766.5 (MANE Select); coding-DNA position 5776, C replaced by G.
Protein change: p.Arg1926Gly; replaces arginine 1926 with glycine.
Molecular consequence: missense variant.
Genome position (GRCh38, 1-based): chr8:41,932,444, G>C on the plus strand (C>G on the coding strand, the complement: KAT6A is on the minus strand). VCF-style: chr8-41932444-G-C. GRCh37 (hg19) VCF-style: chr8-41789962-G-C.
Other names: short protein forms R1926G.
Identifiers: ClinVar variation 802401 (VCV000802401.8), dbSNP rs900174205, ClinGen allele CA175938235.
Genomic context (GRCh38, chr8:41,932,444, plus strand): 5'-TCTGGTTCATGTAGGCAGGGTTACTATGGTAACTGCTGTTCATCATGGGCTGTGTCATTC[G>C]ATAGCTGTTCATGGCATTCAAGGTGTTCATATTCATGGAATTGACATTATAGGCGGGAGT-3'
Protein context (NP_006757.2, residues 1916-1936): MNTLNAMNSY[Arg1926Gly]MTQPMMNSSY

ClinVar aggregate classification (germline): Conflicting classifications of pathogenicity. Review status: criteria provided, conflicting classifications (1 of 4 stars). 3 submissions from 3 submitters: Uncertain significance (1); Likely benign (2). Last evaluated 2025-10-21.

Conditions:
Autosomal dominant intellectual disability-craniofacial anomalies-cardiac defects syndrome (ARTHS). Also called: Mental retardation, autosomal dominant 32; KAT6A syndrome; Arboleda-Tham syndrome. Identifiers: Orphanet 457193, MedGen C4225396, MONDO:0014558, OMIM 616268.

Allele frequency attached by ClinVar (database versions not stated): gnomAD exomes below 0.00001; gnomAD 0.00001; TOPMed 0.00001.

Submissions (3):

Labcorp Genetics (formerly Invitae), Labcorp
Classification: Likely benign. Last evaluated: 2025-10-21. Review status: criteria provided, single submitter. Criteria: Invitae Variant Classification Sherloc (09022015). Collection method: clinical testing. Allele origin: germline.

GeneDx
Classification: Uncertain significance. Last evaluated: 2023-11-28. Review status: criteria provided, single submitter. Criteria: GeneDx Variant Classification Process June 2021. Collection method: clinical testing. Allele origin: germline.
Comment: In silico analysis supports that this missense variant does not alter protein structure/function; Has not been previously published as pathogenic or benign to our knowledge

Mendelics
Classification: Likely benign for Autosomal dominant intellectual disability-craniofacial anomalies-cardiac defects syndrome. Last evaluated: 2019-05-28. Review status: criteria provided, single submitter. Criteria: Mendelics Assertion Criteria 2017. Collection method: clinical testing. Allele origin: unknown.